The following is an entry in ClinVar:

ClinVar aggregate classification (germline): Conflicting classifications of pathogenicity. Review status: criteria provided, conflicting classifications (1 of 4 stars). 8 submissions from 7 submitters: Uncertain significance (6); Likely benign (1). 1 of the submissions does not count toward it. Last evaluated 2025-08-01.

Conditions:
Inborn genetic diseases. Identifiers: MedGen C0950123, MeSH D030342.
Usher syndrome type 1D (USH1D). Also called: USHER SYNDROME, TYPE ID. Identifiers: Orphanet 231169, Orphanet 886, MedGen C1832845, MONDO:0010984, OMIM 601067.
Usher syndrome type 1 (USH1). Also called: RETINITIS PIGMENTOSA AND CONGENITAL DEAFNESS. Identifiers: Orphanet 231169, Orphanet 886, MedGen C1568247, MONDO:0010168, OMIM 276900.
Autosomal recessive nonsyndromic hearing loss 12. Also called: DEAFNESS, AUTOSOMAL RECESSIVE 12. Identifiers: Orphanet 90636, MedGen C1832394, MONDO:0011067, OMIM 601386.

Allele frequency attached by ClinVar (database versions not stated): ExAC 0.00003; gnomAD 0.00004; gnomAD exomes 0.00004 and 0.00005; TOPMed 0.00005.
gnomAD v4.1: 67 of 1,612,388 alleles (0.0042%); highest among the groups gnomAD compares: Non-Finnish European, 0.0049%; no homozygotes.

Submissions (8):

CeGaT Center for Human Genetics Tuebingen
Classification: Likely benign. Last evaluated: 2025-08-01. Review status: criteria provided, single submitter. Criteria: CeGaT Center For Human Genetics Tuebingen Variant Classification Criteria Version 2. Collection method: clinical testing. Allele origin: germline. Affected: yes. Observed: 2 variant alleles.
Comment: CDH23: BP4

Ambry Genetics
Classification: Uncertain significance for Inborn genetic diseases. Last evaluated: 2025-01-22. Review status: criteria provided, single submitter. Criteria: Ambry Variant Classification Scheme 2023. Collection method: clinical testing. Allele origin: germline.

GeneDx
Classification: Uncertain significance. Last evaluated: 2024-05-08. Review status: criteria provided, single submitter. Criteria: GeneDx Variant Classification Process June 2021. Collection method: clinical testing. Allele origin: germline. Affected: yes.
Comment: In silico analysis indicates that this missense variant does not alter protein structure/function; Has not been previously published as pathogenic or benign to our knowledge

Blueprint Genetics
Classification: Uncertain significance. Last evaluated: 2024-02-14. Review status: criteria provided, single submitter. Criteria: ACMG Guidelines, 2015. Collection method: clinical testing. Allele origin: germline.

Labcorp Genetics (formerly Invitae), Labcorp
Classification: Uncertain significance. Last evaluated: 2022-03-02. Review status: criteria provided, single submitter. Criteria: Invitae Variant Classification Sherloc (09022015). Collection method: clinical testing. Allele origin: germline.
Comment: This sequence change replaces glutamic acid, which is acidic and polar, with lysine, which is basic and polar, at codon 2972 of the CDH23 protein (p.Glu2972Lys). This variant is present in population databases (rs746716712, gnomAD 0.01%). This variant has not been reported in the literature in individuals affected with CDH23-related conditions. ClinVar contains an entry for this variant (Variation ID: 452010). Algorithms developed to predict the effect of missense changes on protein structure and function are either unavailable or do not agree on the potential impact of this missense change (SIFT: "Deleterious"; PolyPhen-2: "Not Available"; Align-GVGD: "Class C0"). In summary, the available evidence is currently insufficient to determine the role of this variant in disease. Therefore, it has been classified as a Variant of Uncertain Significance.

Illumina Laboratory Services, Illumina
Classification: Uncertain significance for Usher syndrome type 1D. Last evaluated: 2018-03-23. Review status: criteria provided, single submitter. Criteria: ICSL Variant Classification Criteria 13 December 2019. Collection method: clinical testing. Allele origin: germline.

Illumina Laboratory Services, Illumina
Classification: Uncertain significance for Autosomal recessive nonsyndromic hearing loss 12. Last evaluated: 2018-03-23. Review status: criteria provided, single submitter. Criteria: ICSL Variant Classification Criteria 13 December 2019. Collection method: clinical testing. Allele origin: germline.

Natera, Inc.
Classification: Uncertain significance for Usher syndrome type 1. Last evaluated: 2019-10-28. Review status: no assertion criteria provided. Collection method: clinical testing. Allele origin: germline. Not counted in ClinVar's aggregate classification.

NM_022124.6(CDH23):c.8914G>A (p.Glu2972Lys)

Gene: CDH23 (cadherin related 23; plus strand). Cytogenetic location: 10q22.1.
Variant type: single nucleotide variant.
Coding change: c.8914G>A on transcript NM_022124.6 (MANE Select); coding-DNA position 8914, G replaced by A.
Protein change: p.Glu2972Lys; replaces glutamic acid 2972 with lysine.
Molecular consequence: missense variant.
Genome position (GRCh38, 1-based): chr10:71,810,011, G>A. VCF-style: chr10-71810011-G-A. GRCh37 (hg19) VCF-style: chr10-73569768-G-A.
Other names: c.2194G>A, p.Glu732Lys (NM_001171933.1, NM_001171934.1); short protein forms E2972K, E732K.
Identifiers: ClinVar variation 452010 (VCV000452010.25), dbSNP rs746716712, ClinGen allele CA5546793.